The following is an entry in ClinVar:

NM_133259.4(LRPPRC):c.2912_2913insAT (p.Trp971Ter)

Gene: LRPPRC (leucine rich pentatricopeptide repeat containing; minus strand). Cytogenetic location: 2p21.
Variant type: Insertion.
Coding change: c.2912_2913insAT on transcript NM_133259.4 (MANE Select); coding-DNA positions 2912 to 2913, AT inserted.
Protein change: p.Trp971Ter; replaces tryptophan 971 with a stop codon.
Molecular consequence: nonsense.
Genome position: GRCh38 VCF-style: chr2-43918382-C-CAT. GRCh37 (hg19) VCF-style: chr2-44145521-C-CAT.
Other names: short protein forms W971*.
Identifiers: ClinVar variation 2005776 (VCV002005776.4), dbSNP rs2466452641, ClinGen allele CA2580066481.

ClinVar aggregate classification (germline): Pathogenic (1 of 4 stars; one submission).

Submission:

Labcorp Genetics (formerly Invitae), Labcorp
Classification: Pathogenic. Last evaluated: 2022-06-13. Review status: criteria provided, single submitter. Criteria: Invitae Variant Classification Sherloc (09022015). Collection method: clinical testing. Allele origin: germline.
Comment: For these reasons, this variant has been classified as Pathogenic. This variant has not been reported in the literature in individuals affected with LRPPRC-related conditions. This variant is not present in population databases (gnomAD no frequency). This sequence change creates a premature translational stop signal (p.Trp971*) in the LRPPRC gene. It is expected to result in an absent or disrupted protein product. Loss-of-function variants in LRPPRC are known to be pathogenic (PMID: 26510951).

Literature cited by the submitters: PubMed 26510951.